The following is an entry in ClinVar:

ClinVar aggregate classification (germline): Uncertain significance. Review status: criteria provided, multiple submitters, no conflicts (2 of 4 stars). 2 submissions from 2 submitters: Uncertain significance (2). Last evaluated 2025-04-10.

Conditions:
Inborn genetic diseases. Identifiers: MedGen C0950123, MeSH D030342.

Allele frequency attached by ClinVar (database versions not stated): TOPMed 0.00001; gnomAD exomes 0.00003 and 0.00007; ExAC 0.00014.
gnomAD v4.1: 19 of 1,598,426 alleles (0.0012%); highest among the groups gnomAD compares: Admixed American, 0.029%; 1 homozygote.

Submissions (2):

Ambry Genetics
Classification: Uncertain significance for Inborn genetic diseases. Last evaluated: 2025-04-10. Review status: criteria provided, single submitter. Criteria: Ambry Variant Classification Scheme 2023. Collection method: clinical testing. Allele origin: germline.

Labcorp Genetics (formerly Invitae), Labcorp
Classification: Uncertain significance. Last evaluated: 2023-11-06. Review status: criteria provided, single submitter. Criteria: Invitae Variant Classification Sherloc (09022015). Collection method: clinical testing. Allele origin: germline.
Comment: This sequence change replaces valine, which is neutral and non-polar, with methionine, which is neutral and non-polar, at codon 1039 of the KIAA1549 protein (p.Val1039Met). This variant is present in population databases (rs780276189, gnomAD 0.05%). This variant has not been reported in the literature in individuals affected with KIAA1549-related conditions. ClinVar contains an entry for this variant (Variation ID: 1428825). Algorithms developed to predict the effect of missense changes on protein structure and function output the following: SIFT: "Not Available"; PolyPhen-2: "Possibly Damaging"; Align-GVGD: "Not Available". The methionine amino acid residue is found in multiple mammalian species, which suggests that this missense change does not adversely affect protein function. In summary, the available evidence is currently insufficient to determine the role of this variant in disease. Therefore, it has been classified as a Variant of Uncertain Significance.

NM_001164665.2(KIAA1549):c.3115G>A (p.Val1039Met)

Gene: KIAA1549 (KIAA1549; minus strand). Cytogenetic location: 7q34.
Variant type: single nucleotide variant.
Coding change: c.3115G>A on transcript NM_001164665.2 (MANE Select); coding-DNA position 3115, G replaced by A.
Protein change: p.Val1039Met; replaces valine 1039 with methionine.
Molecular consequence: missense variant.
Genome position (GRCh38, 1-based): chr7:138,911,176, C>T on the plus strand (G>A on the coding strand, the complement: KIAA1549 is on the minus strand). VCF-style: chr7-138911176-C-T. GRCh37 (hg19) VCF-style: chr7-138595922-C-T.
Other names: c.3115G>A, p.Val1039Met (NM_020910.3); c.3115G>A (NM_001164665.1); short protein forms V1039M.
Identifiers: ClinVar variation 1428825 (VCV001428825.7), dbSNP rs780276189, ClinGen allele CA4506317.